The following is an entry in ClinVar:

NM_001042603.3(KDM5A):c.4395dup (p.Trp1466fs)

Gene: KDM5A (lysine demethylase 5A; minus strand). Cytogenetic location: 12p13.33.
Variant type: Duplication.
Coding change: c.4395dup on transcript NM_001042603.3 (MANE Select); coding-DNA position 4395, one base duplicated (A; older notation c.4395dupA).
Protein change: p.Trp1466fs; shifts the reading frame from tryptophan 1466.
Molecular consequence: frameshift variant.
Genome position (GRCh38, 1-based): chr12:295,633, T duplicated on the plus strand (A on the coding strand, the reverse complement: KDM5A is on the minus strand). VCF-style (leftmost placement, unchanged base first): chr12-295632-A-AT. GRCh37 (hg19) VCF-style: chr12-404798-A-AT.
Other names: short protein forms W1466fs.
Identifiers: ClinVar variation 3368463 (VCV003368463.1).

ClinVar aggregate classification (germline): Uncertain significance (1 of 4 stars; one submission).

Submission:

GeneDx
Classification: Uncertain significance. Last evaluated: 2024-01-26. Review status: criteria provided, single submitter. Criteria: GeneDx Variant Classification Process June 2021. Collection method: clinical testing. Allele origin: germline. Affected: yes.
Comment: Frameshift variant predicted to result in protein truncation or nonsense mediated decay in a gene for which loss-of-function is not an established mechanism of disease; Not observed at significant frequency in large population cohorts (gnomAD); Has not been previously published as pathogenic or benign to our knowledge